The following is an entry in ClinVar:

NM_001394062.1(MACF1):c.19128TCA[1] (p.His6377del)

Gene: MACF1 (microtubule actin crosslinking factor 1; plus strand). Cytogenetic location: 1p34.3.
Variant type: Microsatellite.
Coding change: c.19128TCA[1] on transcript NM_001394062.1 (MANE Select); one copy of the 3-base unit TCA starting at c.19128; the reference has two copies in a row; one copy, 3 bases deleted.
Protein change: p.His6377del; deletes histidine 6377.
Molecular consequence: inframe deletion.
Genome position (GRCh38, 1-based): chr1:39,442,740-39,442,742, TCA deleted; deleting any 3 consecutive bases within chr1:39,442,737-39,442,742 gives the same sequence; the position shown is the placement nearest the transcript's 3' end. VCF-style (leftmost placement, unchanged base first): chr1-39442736-CTCA-C. GRCh37 (hg19) VCF-style: chr1-39908408-CTCA-C.
Other names: c.12954_12956del (NM_012090.5); c.7206TCA[1], p.His2403del (NM_001397473.1); c.12951TCA[1], p.His4318del (NM_012090.5); short protein forms H2403del, H4318del, H6377del.
Identifiers: ClinVar variation 3781122 (VCV003781122.1).

ClinVar aggregate classification (germline): Uncertain significance (1 of 4 stars; one submission).

Submission:

GeneDx
Classification: Uncertain significance. Last evaluated: 2024-10-14. Review status: criteria provided, single submitter. Criteria: GeneDx Variant Classification Process June 2021. Collection method: clinical testing. Allele origin: germline. Affected: yes.
Comment: Not observed at significant frequency in large population cohorts (gnomAD); In-frame deletion of 1 amino acid(s) in a non-repeat region; In silico analysis supports a deleterious effect on protein structure/function; Has not been previously published as pathogenic or benign to our knowledge